The following is an entry in ClinVar:

NM_001330700.2(TOP2B):c.3824A>G (p.Asp1275Gly)

Gene: TOP2B (DNA topoisomerase II beta; minus strand). Cytogenetic location: 3p24.2.
Variant type: single nucleotide variant.
Coding change: c.3824A>G on transcript NM_001330700.2 (MANE Select); coding-DNA position 3824, A replaced by G.
Protein change: p.Asp1275Gly; replaces aspartic acid 1275 with glycine.
Molecular consequence: missense variant.
Genome position (GRCh38, 1-based): chr3:25,609,675, T>C on the plus strand (A>G on the coding strand, the complement: TOP2B is on the minus strand). VCF-style: chr3-25609675-T-C. GRCh37 (hg19) VCF-style: chr3-25651166-T-C.
Other names: c.3809A>G, p.Asp1270Gly (NM_001068.3); short protein forms D1275G, D1270G.
Identifiers: ClinVar variation 2160277 (VCV002160277.4), dbSNP rs370835943, ClinGen allele CA71630268.

ClinVar aggregate classification (germline): Uncertain significance (1 of 4 stars; one submission).

Allele frequency attached by ClinVar (database versions not stated): gnomAD 0.00007; TOPMed 0.00007; ESP Exome Variant Server 0.00017.
gnomAD v4.1: 140 of 1,523,514 alleles (0.0092%); highest among the groups gnomAD compares: Non-Finnish European, 0.011%; no homozygotes.

Submission:

Labcorp Genetics (formerly Invitae), Labcorp
Classification: Uncertain significance. Last evaluated: 2025-10-02. Review status: criteria provided, single submitter. Criteria: Invitae Variant Classification Sherloc (09022015). Collection method: clinical testing. Allele origin: germline.
Comment: This sequence change replaces aspartic acid, which is acidic and polar, with glycine, which is neutral and non-polar, at codon 1270 of the TOP2B protein (p.Asp1270Gly). This variant is present in population databases (rs370835943, gnomAD 0.02%). This variant has not been reported in the literature in individuals affected with TOP2B-related conditions. ClinVar contains an entry for this variant (Variation ID: 2160277). An algorithm developed to predict the effect of missense changes on protein structure and function (PolyPhen-2) suggests that this variant is likely to be tolerated. In summary, the available evidence is currently insufficient to determine the role of this variant in disease. Therefore, it has been classified as a Variant of Uncertain Significance.